The following is an entry in ClinVar:

ClinVar aggregate classification (germline): Conflicting classifications of pathogenicity. Review status: criteria provided, conflicting classifications (1 of 4 stars). 6 submissions from 6 submitters: Uncertain significance (1); Benign (1); Likely benign (2). 2 of the submissions do not count toward it. Last evaluated 2026-02-02.

Conditions:
CPS1-related disorder. Also called: CPS1-related condition.
Congenital hyperammonemia, type I. Also called: CPS I DEFICIENCY; Carbamoyl phosphate synthetase 1 deficiency; Hyperammonemia due to carbamoyl phosphate synthetase 1 deficiency; CPS 1 deficiency; Carbamyl phosphate synthetase (CPS) deficiency; Carbamoyl-phosphate synthase I deficiency. Identifiers: Orphanet 147, MedGen C4082171, MONDO:0009376, OMIM 237300.
Intellectual disability. Also called: intellectual disabilities; Intellectual functioning disability; Intellectual developmental disorder. Identifiers: MedGen C3714756, MeSH D008607, MONDO:0001071, HP:0001249.

Allele frequency attached by ClinVar (database versions not stated): TOPMed 0.00006; gnomAD 0.00013; gnomAD exomes 0.00103; ExAC 0.00112; 1000 Genomes Project 30x 0.00297; 1000 Genomes Project 0.00300.
gnomAD v4.1: 887 of 1,612,600 alleles (0.055%); highest among the groups gnomAD compares: South Asian, 0.91%; 8 homozygotes.

Submissions (6):

Labcorp Genetics (formerly Invitae), Labcorp
Classification: Benign for Congenital hyperammonemia, type I. Last evaluated: 2026-02-02. Review status: criteria provided, single submitter. Criteria: Invitae Variant Classification Sherloc (09022015). Collection method: clinical testing. Allele origin: germline.

Blueprint Genetics
Classification: Likely benign. Last evaluated: 2024-10-30. Review status: criteria provided, single submitter. Criteria: ACMG Guidelines, 2015. Collection method: clinical testing. Allele origin: germline.

Diagnostic Laboratory, Strasbourg University Hospital
Classification: Uncertain significance for Intellectual disability. Last evaluated: 2020-09-10. Review status: criteria provided, single submitter. Criteria: ACMG Guidelines, 2015. Collection method: clinical testing. Allele origin: maternal. Affected: yes. Observed: 1 heterozygote.

Illumina Laboratory Services, Illumina
Classification: Likely benign for Congenital hyperammonemia, type I. Last evaluated: 2018-01-13. Review status: criteria provided, single submitter. Criteria: ICSL Variant Classification Criteria 13 December 2019. Collection method: clinical testing. Allele origin: germline.
Comment: This variant was observed in the ICSL laboratory as part of a predisposition screen in an ostensibly healthy population. It had not been previously curated by ICSL or reported in the Human Gene Mutation Database (HGMD: prior to June 1st, 2018), and was therefore a candidate for classification through an automated scoring system. Utilizing variant allele frequency, disease prevalence and penetrance estimates, and inheritance mode, an automated score was calculated to assess if this variant is too frequent to cause the disease. Based on the score and internal cut-off values, a variant classified as likely benign is not then subjected to further curation. The score for this variant resulted in a classification of likely benign for this disease.

PreventionGenetics, part of Exact Sciences
Classification: Benign for CPS1-related condition. Last evaluated: 2021-01-11. Review status: no assertion criteria provided. Collection method: clinical testing. Allele origin: germline. Not counted in ClinVar's aggregate classification.
Comment: This variant is classified as benign based on ACMG/AMP sequence variant interpretation guidelines (Richards et al. 2015 PMID: 25741868, with internal and published modifications).

Natera, Inc.
Classification: Benign for Carbamoyl-phosphate synthase I deficiency. Last evaluated: 2020-01-08. Review status: no assertion criteria provided. Collection method: clinical testing. Allele origin: germline. Not counted in ClinVar's aggregate classification.

NM_001875.5(CPS1):c.3466A>T (p.Thr1156Ser)

Gene: CPS1 (carbamoyl-phosphate synthase 1; plus strand). Cytogenetic location: 2q34.
Variant type: single nucleotide variant.
Coding change: c.3466A>T on transcript NM_001875.5 (MANE Select); coding-DNA position 3466, A replaced by T.
Protein change: p.Thr1156Ser; replaces threonine 1156 with serine.
Molecular consequence: missense variant. On other transcripts: non-coding transcript variant (2).
Genome position (GRCh38, 1-based): chr2:210,650,424, A>T. VCF-style: chr2-210650424-A-T. GRCh37 (hg19) VCF-style: chr2-211515148-A-T.
Other names: c.3466A>T, p.Thr1156Ser (NM_001122633.3, NM_001369257.1); c.3499A>T, p.Thr1167Ser (NM_001369256.1); short protein forms T1156S, T1167S.
Identifiers: ClinVar variation 703510 (VCV000703510.25), dbSNP rs201246466, ClinGen allele CA2086942.